The following is an entry in ClinVar:

NM_002739.5(PRKCG):c.1904C>T (p.Pro635Leu)

Gene: PRKCG (protein kinase C gamma; plus strand). Cytogenetic location: 19q13.42.
Variant type: single nucleotide variant.
Coding change: c.1904C>T on transcript NM_002739.5 (MANE Select); coding-DNA position 1904, C replaced by T.
Protein change: p.Pro635Leu; replaces proline 635 with leucine.
Molecular consequence: missense variant.
Genome position (GRCh38, 1-based): chr19:53,906,456, C>T. VCF-style: chr19-53906456-C-T. GRCh37 (hg19) VCF-style: chr19-54409710-C-T.
Other names: c.1904C>T (NM_002739.4); c.1904C>T, p.Pro635Leu (NM_001316329.2); short protein forms P635L.
Identifiers: ClinVar variation 894246 (VCV000894246.6), dbSNP rs1360248213, ClinGen allele CA407420291.

ClinVar aggregate classification (germline): Uncertain significance. Review status: criteria provided, single submitter (1 of 4 stars). 2 submissions from 2 submitters: Uncertain significance (1). 1 of the submissions does not count toward it. Last evaluated 2018-01-12.

Conditions:
PRKCG-related disorder. Also called: PRKCG-related condition.
Spinocerebellar ataxia type 14 (SCA14). Identifiers: Orphanet 98763, MedGen C1854369, MONDO:0011540, OMIM 605361.

Allele frequency attached by ClinVar (database versions not stated): TOPMed 0.00001; gnomAD 0.00003; gnomAD exomes 0.00005.

Submissions (2):

Illumina Laboratory Services, Illumina
Classification: Uncertain significance for Spinocerebellar ataxia type 14. Last evaluated: 2018-01-12. Review status: criteria provided, single submitter. Criteria: ICSL Variant Classification Criteria 13 December 2019. Collection method: clinical testing. Allele origin: germline.

PreventionGenetics, part of Exact Sciences
Classification: Likely benign for PRKCG-related condition. Last evaluated: 2022-03-09. Review status: no assertion criteria provided. Collection method: clinical testing. Allele origin: germline. Not counted in ClinVar's aggregate classification.
Comment: This variant is classified as likely benign based on ACMG/AMP sequence variant interpretation guidelines (Richards et al. 2015 PMID: 25741868, with internal and published modifications).